The following is an entry in ClinVar:

ClinVar aggregate classification (germline): Likely pathogenic (1 of 4 stars; one submission).

Conditions:
Autosomal recessive limb-girdle muscular dystrophy type 2J (LGMDR10). Also called: Limb-girdle muscular dystrophy, type 2J; MUSCULAR DYSTROPHY, LIMB-GIRDLE, AUTOSOMAL RECESSIVE 10. Identifiers: Orphanet 140922, MedGen C1837342, MONDO:0012127, OMIM 608807.
Dilated cardiomyopathy 1G (CMD1G). Identifiers: Orphanet 154, MedGen C1858763, MONDO:0011400, OMIM 604145.

Submission:

Labcorp Genetics (formerly Invitae), Labcorp
Classification: Likely pathogenic for Dilated cardiomyopathy 1G; Autosomal recessive limb-girdle muscular dystrophy type 2J. Last evaluated: 2022-02-19. Review status: criteria provided, single submitter. Criteria: Invitae Variant Classification Sherloc (09022015). Collection method: clinical testing. Allele origin: germline.
Comment: This sequence change creates a premature translational stop signal (p.Asn27576Ilefs*4) in the TTN gene. While this is not anticipated to result in nonsense mediated decay, it is expected to create a truncated TTN protein. This variant is not present in population databases (gnomAD no frequency). This variant has not been reported in the literature in individuals affected with TTN-related conditions. This variant is located in the A band of TTN (PMID: 25589632). Truncating variants in this region are significantly overrepresented in patients affected with dilated cardiomyopathy (PMID: 25589632). Truncating variants in this region have also been reported in individuals affected with autosomal recessive centronuclear myopathy (PMID: 23975875). In summary, the currently available evidence indicates that the variant is pathogenic, but additional data are needed to prove that conclusively. Therefore, this variant has been classified as Likely Pathogenic.

Literature cited by the submitters: PubMed 25589632; PubMed 23975875.

NM_001267550.2(TTN):c.82727del (p.Asn27576fs)

Genes: TTN (titin; minus strand), TTN-AS1 (TTN antisense RNA 1; plus strand). Cytogenetic location: 2q31.2.
Variant type: Deletion.
Coding change: c.82727del on transcript NM_001267550.2 (MANE Select); coding-DNA position 82727, one base deleted (A; older notation c.82727delA).
Protein change: p.Asn27576fs; shifts the reading frame from asparagine 27576.
Molecular consequence: frameshift variant.
Genome position (GRCh38, 1-based): chr2:178,563,405, T deleted on the plus strand (A on the coding strand, the reverse complement: TTN is on the minus strand); the first of 2 consecutive T bases (chr2:178,563,405-178,563,406); deleting either gives the same sequence. VCF-style (leftmost placement, unchanged base first): chr2-178563404-AT-A. GRCh37 (hg19) VCF-style: chr2-179428131-AT-A.
Other names: c.77804del, p.Asn25935fs (NM_001256850.1); c.55532del, p.Asn18511fs (NM_003319.4); c.75023del, p.Asn25008fs (NM_133378.4); c.55907del, p.Asn18636fs (NM_133432.3); c.56108del, p.Asn18703fs (NM_133437.4); short protein forms N18511fs, N27576fs, N18636fs, N25008fs, N25935fs, N18703fs.
Identifiers: ClinVar variation 2099162 (VCV002099162.4), dbSNP rs2468161838, ClinGen allele CA2580064687.
Genomic context (GRCh38, chr2:178,563,404, plus strand): 5'-ATAAATTGGCTTACTCCATGCCAGGGAGACAGAAGATCTGGAAGTGTCCGTCACTTTTGG[AT>A]TGCTTGGGGGACCTGGTGGATACAAGGCATCACACGCACGGTAGAAAACAGATGGCTCAC-3'